The following is an entry in ClinVar:

ClinVar aggregate classification (germline): Pathogenic/Likely pathogenic. Review status: criteria provided, multiple submitters, no conflicts (2 of 4 stars). 34 submissions from 33 submitters: Pathogenic (26); Likely pathogenic (1). 7 of the submissions do not count toward it. Last evaluated 2025-12-21.

Conditions:
Neurodevelopmental disorder. Identifiers: MedGen C1535926, MeSH D065886, MONDO:0700092.
Intellectual developmental disorder, X-linked, syndromic, Bain type. Also called: HNRNPH2-Related Neurodevelopmental Disorder; Intellectual disability, X-linked, syndromic, Bain type. Identifiers: Orphanet 662198, MedGen C4310814, MONDO:0010512, OMIM 300986.
Inborn genetic diseases. Identifiers: MedGen C0950123, MeSH D030342.
HNRNPH2-related disorders.
Abnormal facial shape. Also called: Dysmorphic facial features; Dysmorphic facies. Identifiers: MedGen C0424503, HP:0001999.
Stereotypic movement disorder. Also called: Stereotypies; stereotyped movement disorder. Identifiers: MedGen C0038273, MONDO:0002265.
Neurodevelopmental delay. Identifiers: MedGen C4022738, HP:0012758.

Submissions 1 to 11 of 34:

3billion
Classification: Pathogenic for Intellectual developmental disorder, X-linked, syndromic, Bain type. Last evaluated: 2025-12-21. Review status: criteria provided, single submitter. Criteria: ACMG Guidelines, 2015. Collection method: clinical testing. Allele origin: germline. Affected: yes.
Comment: The variant is not observed in the gnomAD v4.1.0 dataset. Predicted Consequence/Location: Missense variant. Missense changes are a common disease-causing mechanism. In silico tool predictions suggest damaging effect of the variant on gene or gene product [3Cnet: 0.99 (> 0.75, sensitivity 0.96 and precision 0.92)]. The same nucleotide change resulting in the same amino acid change has been previously reported as pathogenic/likely pathogenic with strong evidence (ClinVar ID: VCV000225760 /PMID: 27545675 /3billion dataset). The variant has been previously reported as de novo in a similarly affected individual (PMID: 27545675). The variant has been observed in at least two similarly affected unrelated individuals (PMID: 27545675). The variant has been previously reported as assumed (i.e. paternity and maternity not confirmed) de novo in at least one similarly affected unrelated individual (3billion dataset). Different missense changes at the same codon (p.Arg206Gln, p.Arg206Gly, p.Arg206Leu) have been reported as pathogenic/likely pathogenic with strong evidence (ClinVar ID: VCV000225761 /PMID: 27545675, 31943778, 33728377). Therefore, this variant is classified as Pathogenic according to the recommendation of ACMG/AMP guideline.

Variantyx, Inc.
Classification: Pathogenic for Intellectual developmental disorder, X-linked, syndromic, Bain type. Last evaluated: 2025-11-11. Review status: criteria provided, single submitter. Criteria: Variantyx Assertion Criteria 2022. Collection method: clinical testing. Allele origin: maternal. Inheritance: X-linked dominant inheritance. Affected: yes.
Comment: This is a nonsynonymous variant in the HNRNPH2 gene (OMIM: 300610). Pathogenic variants in this gene have been associated with X-linked Bain type of syndromic intellectual developmental disorder. This variant has been reported in at least 3 unrelated affected individuals (PMID: 31670473, 36066546, 37853563) (PS4_Moderate), and is absent from control populations (PM2). An alternate amino acid change at this position (p.Arg206Gln) has been previously reported in similarly affected individuals, which suggests that this residue is biologically important (PMID: 30887513) (PM5). However, multiple computational algorithms predict no functional impact for this variant (REVEL score: 0.185) (BP4). Based on the current evidence, this variant is classified as pathogenic for X-linked Bain type of syndromic intellectual developmental disorder.

Ambry Genetics
Classification: Pathogenic for Inborn genetic diseases. Last evaluated: 2025-02-28. Review status: criteria provided, single submitter. Criteria: Ambry Variant Classification Scheme 2023. Collection method: clinical testing. Allele origin: germline.
Comment: The c.616C>T (p.R206W) alteration is located in exon 2 (coding exon 1) of the HNRNPH2 gene. This alteration results from a C to T substitution at nucleotide position 616, causing the arginine (R) at amino acid position 206 to be replaced by a tryptophan (W). This variant was not reported in population-based cohorts in the Genome Aggregation Database (gnomAD). This variant was determined to be de novo in multiple individuals, both male and female, with features consistent with HNRNPH2-related neurodevelopmental disorder (Bain, 2016; Jepsen, 2019; Somashekar, 2020; Bain, 2021). Other variant(s) at the same codon, c.617G>A (p.R206Q) and c.617G>T (p.R206L), have been identified in individual(s) with features consistent with HNRNPH2-related neurodevelopmental disorder (Bain, 2016; Harmsen, 2019; Peron, 2020). This amino acid position is highly conserved in available vertebrate species. This missense alteration is located in a region that has a low rate of benign missense variation (Lek, 2016; Firth, 2009). This alteration is predicted to be tolerated by in silico analysis. Based on the available evidence, this alteration is classified as pathogenic.

Center of Human Genetics, Hôpital Erasme
Classification: Pathogenic for Intellectual developmental disorder, X-linked, syndromic, Bain type. Last evaluated: 2025-01-01. Review status: criteria provided, single submitter. Criteria: ACMG Guidelines, 2015. Collection method: clinical testing. Allele origin: de novo. Affected: yes.

Blueprint Genetics
Classification: Pathogenic for HNRNPH2-related disorders. Last evaluated: 2024-07-09. Review status: criteria provided, single submitter. Criteria: ACMG Guidelines, 2015. Collection method: clinical testing. Allele origin: de novo. Affected: yes. Observed: 3 variant alleles.

CeGaT Center for Human Genetics Tuebingen
Classification: Pathogenic. Last evaluated: 2024-03-01. Review status: criteria provided, single submitter. Criteria: CeGaT Center For Human Genetics Tuebingen Variant Classification Criteria Version 2. Collection method: clinical testing. Allele origin: germline. Affected: yes. Observed: 6 variant alleles.
Comment: HNRNPH2: PM6:Very Strong, PM1, PM2, PM5, PS4:Moderate, PP2

Duke University Health System Sequencing Clinic, Duke University Health System
Classification: Pathogenic for Intellectual developmental disorder, X-linked, syndromic, Bain type. Last evaluated: 2023-04-20. Review status: criteria provided, single submitter. Criteria: ACMG Guidelines, 2015. Collection method: research. Allele origin: de novo. Affected: yes.

Illumina Laboratory Services, Illumina
Classification: Pathogenic. Last evaluated: 2022-11-15. Review status: criteria provided, single submitter. Criteria: ICSL CNVClassificationCriteria Aug2020. Collection method: clinical testing. Allele origin: unknown. Affected: yes.
Comment: The HNRNPH2 c.616C>T (p.Arg206Trp) missense variant results in the substitution of arginine at amino acid position 206 with tryptophan. The p.Arg206Trp variant is a recurrent variant which has been reported in a heterozygous state in over 20 unrelated individuals with neurodevelopmental phenotypes (PMID: 27545675; PMID: 31236915; PMID: 31670473; PMID: 33728377; PMID: 34008892). At least three different missense variants at Arg206 have also been identified in over ten affected individuals, suggesting that Arg206 is a hotspot for disease-causing variation (PMID:30887513; PMID: 33728377; PMID: 33504798). This variant is not found in version 2.1.1 or version 3.1.2 of the Genome Aggregation Database. The p.Arg206Trp variant is found in a well conserved nuclear localization sequence in a glycine rich domain (PMID: 33728377). Functional studies are unavailable for p.Arg206Trp, but cellular localization studies performed on another variant at Arg206, p.Arg206Gln, showed altered cellular localization patterns compared to wild type, which were suggestive of a nucleocytoplasmic shuttling defect (PMID: 34907471). Based on the available evidence, the c.616C>T p.(Arg206Trp) variant is classified as pathogenic for HNRNPH2-related neurodevelopmental disorder.

Women's Health and Genetics/Laboratory Corporation of America, LabCorp
Classification: Pathogenic for Intellectual developmental disorder, X-linked, syndromic, Bain type. Last evaluated: 2022-06-03. Review status: criteria provided, single submitter. Criteria: LabCorp Variant Classification Summary - May 2015. Collection method: clinical testing. Allele origin: germline.
Comment: Variant summary: HNRNPH2 c.616C>T (p.Arg206Trp) results in a non-conservative amino acid change located in the glycine-rich domain (Bain_2016) of the encoded protein sequence. Three of five in-silico tools predict a benign effect of the variant on protein function. The variant was absent in 183420 control chromosomes (gnomAD). c.616C>T has been reported in the literature in multiple individuals affected with Neurodevelopmental disorder (Bain_2016, Jepsen_2019, Martin_2021) and identified as de novo mutation. These data indicate that the variant is very likely to be associated with disease. To our knowledge, no experimental evidence demonstrating an impact on protein function has been reported. Fifteen ClinVar submitters (evaluation after 2014) cite the variant as pathogenic. Based on the evidence outlined above, the variant was classified as pathogenic.

GeneDx
Classification: Pathogenic. Last evaluated: 2022-04-11. Review status: criteria provided, single submitter. Criteria: GeneDx Variant Classification Process June 2021. Collection method: clinical testing. Allele origin: germline. Affected: yes.
Comment: Not observed in large population cohorts (gnomAD); In silico analysis supports that this missense variant has a deleterious effect on protein structure/function; This variant is associated with the following publications: (PMID: 27545675, 29938792, 31236915, 31670473, 34008892, 33504798, 33739554, 33728377)

Revvity Omics, Revvity
Classification: Pathogenic for Intellectual developmental disorder, X-linked, syndromic, Bain type. Last evaluated: 2022-03-09. Review status: criteria provided, single submitter. Criteria: ACMG Guidelines, 2015. Collection method: clinical testing. Allele origin: germline.

NM_019597.5(HNRNPH2):c.616C>T (p.Arg206Trp)

Genes: HNRNPH2 (heterogeneous nuclear ribonucleoprotein H2; plus strand), RPL36A-HNRNPH2 (RPL36A-HNRNPH2 readthrough; plus strand). Cytogenetic location: Xq22.1.
Variant type: single nucleotide variant.
Coding change: c.616C>T on transcript NM_019597.5 (MANE Select); coding-DNA position 616, C replaced by T.
Protein change: p.Arg206Trp; replaces arginine 206 with tryptophan.
Molecular consequence: missense variant. On other transcripts: 3 prime UTR variant (2).
Genome position (GRCh38, 1-based): chrX:101,412,604, C>T. VCF-style: chrX-101412604-C-T. GRCh37 (hg19) VCF-style: chrX-100667592-C-T.
Other names: c.*612C>T (NM_001199973.2, NM_001199974.2); c.616C>T, p.Arg206Trp (NM_001032393.3); c.616C>T (NM_019597.4); short protein forms R206W.
Identifiers: ClinVar variation 225760 (VCV000225760.92), dbSNP rs886039763, ClinGen allele CA10576091.